The following is an entry in ClinVar:

ClinVar aggregate classification (germline): Likely benign (1 of 4 stars; one submission).

Allele frequency attached by ClinVar (database versions not stated): gnomAD 0.00001; TOPMed 0.00001.

Submission:

CeGaT Center for Human Genetics Tuebingen
Classification: Likely benign. Last evaluated: 2022-07-01. Review status: criteria provided, single submitter. Criteria: CeGaT Center For Human Genetics Tuebingen Variant Classification Criteria Version 2. Collection method: clinical testing. Allele origin: germline. Affected: yes. Observed: 1 variant allele.
Comment: MBOAT7: BP4, BP7

NM_024298.5(MBOAT7):c.756C>T (p.Ala252=)

Gene: MBOAT7 (membrane bound acylglycerophosphatidylinositol O-acyltransferase MBOAT7; minus strand). Cytogenetic location: 19q13.42.
Variant type: single nucleotide variant.
Coding change: c.756C>T on transcript NM_024298.5 (MANE Select); coding-DNA position 756, C replaced by T.
Protein change: p.Ala252=; no amino-acid change (alanine 252 retained).
Molecular consequence: synonymous variant.
Genome position (GRCh38, 1-based): chr19:54,180,871, G>A on the plus strand (C>T on the coding strand, the complement: MBOAT7 is on the minus strand). VCF-style: chr19-54180871-G-A. GRCh37 (hg19) VCF-style: chr19-54684588-G-A.
Other names: c.537C>T, p.Ala179= (NM_001146056.3, NM_001146083.3); c.756C>T, p.Ala252= (NM_001146082.3).
Identifiers: ClinVar variation 2650425 (VCV002650425.24), dbSNP rs372916774, ClinGen allele CA309346613.